The following is an entry in ClinVar:

NM_007126.5(VCP):c.2173G>A (p.Asp725Asn)

Gene: VCP (valosin containing protein; minus strand). Cytogenetic location: 9p13.3.
Variant type: single nucleotide variant.
Coding change: c.2173G>A on transcript NM_007126.5 (MANE Select); coding-DNA position 2173, G replaced by A.
Protein change: p.Asp725Asn; replaces aspartic acid 725 with asparagine.
Molecular consequence: missense variant.
Genome position (GRCh38, 1-based): chr9:35,057,518, C>T on the plus strand (G>A on the coding strand, the complement: VCP is on the minus strand). VCF-style: chr9-35057518-C-T. GRCh37 (hg19) VCF-style: chr9-35057515-C-T.
Other names: c.2038G>A, p.Asp680Asn (NM_001354927.2, NM_001354928.2); short protein forms D680N, D725N.
Identifiers: ClinVar variation 1309005 (VCV001309005.2), dbSNP rs2131026692, ClinGen allele CA373271200.

ClinVar aggregate classification (germline): Uncertain significance (1 of 4 stars; one submission).

Allele frequency attached by ClinVar (database versions not stated): gnomAD exomes below 0.00001.
gnomAD v4.1: 5 of 1,610,392 alleles (0.00031%); highest among the groups gnomAD compares: Non-Finnish European, 0.00034%; no homozygotes.

Submission:

GeneDx
Classification: Uncertain significance. Last evaluated: 2019-10-11. Review status: criteria provided, single submitter. Criteria: GeneDx Variant Classification Process June 2021. Collection method: clinical testing. Allele origin: germline. Affected: yes.
Comment: Has not been previously published as pathogenic or benign to our knowledge; Not observed in large population cohorts (Lek et al., 2016); In silico analysis, which includes protein predictors and evolutionary conservation, supports that this variant does not alter protein structure/function